The following is an entry in ClinVar:

NM_004519.4(KCNQ3):c.933+129A>C

Gene: KCNQ3 (potassium voltage-gated channel subfamily Q member 3; minus strand). Cytogenetic location: 8q24.22.
Variant type: single nucleotide variant.
Coding change: c.933+129A>C on transcript NM_004519.4 (MANE Select); 129 bases into the intron after coding-DNA position 933, A replaced by C.
Molecular consequence: intron variant.
Genome position (GRCh38, 1-based): chr8:132,175,324, T>G on the plus strand (A>C on the coding strand, the complement: KCNQ3 is on the minus strand). VCF-style: chr8-132175324-T-G. GRCh37 (hg19) VCF-style: chr8-133187571-T-G.
Other names: c.573+129A>C (NM_001204824.2).
Identifiers: ClinVar variation 682069 (VCV000682069.1), dbSNP rs77494140, ClinGen allele CA12798901.

ClinVar aggregate classification (germline): Benign (1 of 4 stars; one submission).

Allele frequency attached by ClinVar (database versions not stated): 1000 Genomes Project 0.13379; 1000 Genomes Project 30x 0.13960; TOPMed 0.15739; gnomAD 0.16787.
gnomAD v4.1: 140,211 of 1,017,122 alleles (14%); highest among the groups gnomAD compares: African/African-American, 24%; 11,033 homozygotes.

Submission:

GeneDx
Classification: Benign. Last evaluated: 2018-06-19. Review status: criteria provided, single submitter. Criteria: GeneDx Variant Classification (06012015). Collection method: clinical testing. Allele origin: germline. Affected: yes.
Comment: This variant is considered likely benign or benign based on one or more of the following criteria: it is a conservative change, it occurs at a poorly conserved position in the protein, it is predicted to be benign by multiple in silico algorithms, and/or has population frequency not consistent with disease.